The following is an entry in ClinVar:

ClinVar aggregate classification (germline): Conflicting classifications of pathogenicity. Review status: criteria provided, conflicting classifications (1 of 4 stars). 7 submissions from 7 submitters: Uncertain significance (2); Likely benign (2). 3 of the submissions do not count toward it. Last evaluated 2026-06-01.

Conditions:
Bardet-Biedl syndrome (BBS). Identifiers: Orphanet 110, MedGen C0752166, MONDO:0015229.
BBS2-related disorder. Also called: BBS2-related disorders; BBS2-related condition. Identifiers: MedGen CN239228.
Bardet-Biedl syndrome 2 (BBS2). Identifiers: Orphanet 110, MedGen C2936863, MONDO:0014432, OMIM 615981.

Allele frequency attached by ClinVar (database versions not stated): ExAC 0.00001; gnomAD 0.00001; gnomAD exomes 0.00001 and 0.00002; TOPMed 0.00002.
gnomAD v4.1: 26 of 1,613,844 alleles (0.0016%); highest among the groups gnomAD compares: Middle Eastern, 0.016%; no homozygotes.

Submissions (7):

CeGaT Center for Human Genetics Tuebingen
Classification: Likely benign. Last evaluated: 2026-06-01. Review status: criteria provided, single submitter. Criteria: CeGaT Center For Human Genetics Tuebingen Variant Classification Criteria Version 2. Collection method: clinical testing. Allele origin: germline. Affected: yes. Observed: 1 variant allele.
Comment: BBS2: BP4, BP7

Labcorp Genetics (formerly Invitae), Labcorp
Classification: Likely benign for Bardet-Biedl syndrome. Last evaluated: 2025-10-30. Review status: criteria provided, single submitter. Criteria: Invitae Variant Classification Sherloc (09022015). Collection method: clinical testing. Allele origin: germline.

Illumina Laboratory Services, Illumina
Classification: Uncertain significance for Bardet-Biedl syndrome 2. Last evaluated: 2018-01-13. Review status: criteria provided, single submitter. Criteria: ICSL Variant Classification Criteria 13 December 2019. Collection method: clinical testing. Allele origin: germline.

Neuberg Centre For Genomic Medicine, NCGM
Classification: Uncertain significance for Bardet-Biedl syndrome 2. Review status: criteria provided, single submitter. Criteria: ACMG Guidelines, 2015. Collection method: clinical testing. Allele origin: germline. Inheritance: Autosomal recessive inheritance. Affected: yes.
Comment: The synonymous c.327G>A p.Ser109 variant in BBS2 gene has not been reported previously as a pathogenic variant nor as a benign variant, to our knowledge. The p.Ser109 variant has allele frequency 0.002% in gnomAD Exomes and is novel not in any individuals in 1000 Genomes. This variant has been reported to the ClinVar database as Likely benign / Uncertain Significance. This p.Ser109 type of mutation causes no change in the protein that is produced, which is why it's considered as synonymous mutation. For these reasons, this variant has been classified as Variant of Uncertain Significance VUS.

PreventionGenetics, part of Exact Sciences
Classification: Likely benign for BBS2-related condition. Last evaluated: 2024-03-06. Review status: no assertion criteria provided. Collection method: clinical testing. Allele origin: germline. Not counted in ClinVar's aggregate classification.
Comment: This variant is classified as likely benign based on ACMG/AMP sequence variant interpretation guidelines (Richards et al. 2015 PMID: 25741868, with internal and published modifications).

Natera, Inc.
Classification: Uncertain significance for Bardet-Biedl syndrome type 2. Last evaluated: 2020-05-28. Review status: no assertion criteria provided. Collection method: clinical testing. Allele origin: germline. Not counted in ClinVar's aggregate classification.

Counsyl
Classification: Likely benign for Bardet-Biedl syndrome 2. Last evaluated: 2017-06-09. Review status: no assertion criteria provided. Collection method: clinical testing. Allele origin: unknown. Not counted in ClinVar's aggregate classification.

NM_031885.5(BBS2):c.327G>A (p.Ser109=)

Gene: BBS2 (Bardet-Biedl syndrome 2; minus strand). Cytogenetic location: 16q13.
Variant type: single nucleotide variant.
Coding change: c.327G>A on transcript NM_031885.5 (MANE Select); coding-DNA position 327, G replaced by A.
Protein change: p.Ser109=; no amino-acid change (serine 109 retained).
Molecular consequence: synonymous variant. On other transcripts: non-coding transcript variant (5).
Genome position (GRCh38, 1-based): chr16:56,514,471, C>T on the plus strand (G>A on the coding strand, the complement: BBS2 is on the minus strand). VCF-style: chr16-56514471-C-T. GRCh37 (hg19) VCF-style: chr16-56548383-C-T.
Other names: c.327G>A, p.Ser109= (NM_001377456.1).
Identifiers: ClinVar variation 319867 (VCV000319867.19), dbSNP rs770497817, ClinGen allele CA8066082.